The following is an entry in ClinVar:

NM_001267550.2(TTN):c.29421G>T (p.Lys9807Asn)

Gene: TTN (titin; minus strand). Cytogenetic location: 2q31.2.
Variant type: single nucleotide variant.
Coding change: c.29421G>T on transcript NM_001267550.2 (MANE Select); coding-DNA position 29421, G replaced by T.
Protein change: p.Lys9807Asn; replaces lysine 9807 with asparagine.
Molecular consequence: missense variant. On other transcripts: intron variant (3).
Genome position (GRCh38, 1-based): chr2:178,705,357, C>A on the plus strand (G>T on the coding strand, the complement: TTN is on the minus strand). VCF-style: chr2-178705357-C-A. GRCh37 (hg19) VCF-style: chr2-179570084-C-A.
Other names: c.28470G>T, p.Lys9490Asn (NM_001256850.1); c.25689G>T, p.Lys8563Asn (NM_133378.4); c.13282+32725G>T (NM_003319.4); c.13858+32725G>T (NM_133437.4); c.13657+32725G>T (NM_133432.3); short protein forms K8563N, K9490N, K9807N.
Identifiers: ClinVar variation 5041518 (VCV005041518.1).
Genomic context (GRCh38, chr2:178,705,357, plus strand): 5'-GAGAAGTTCCATGATATCAATTTCCTCTTCTTCTCCAGCTCCTTTCTTTAAGATTGGAGT[C>A]CTAAATAAAATTTAAAAAGTAAGGATAAAACACCTGTCTTCTACTTATTTTTAATTGTCT-3'
Protein context (NP_001254479.2, residues 9797-9817): IEGDLRAMLK[Lys9807Asn]TPILKKGAGE

ClinVar aggregate classification (germline): Uncertain significance (1 of 4 stars; one submission).

Submission:

CeGaT Center for Human Genetics Tuebingen
Classification: Uncertain significance. Last evaluated: 2026-09-01. Review status: criteria provided, single submitter. Criteria: CeGaT Center For Human Genetics Tuebingen Variant Classification Criteria Version 2. Collection method: clinical testing. Allele origin: germline. Affected: yes. Observed: 1 variant allele.
Comment: TTN: PM2, BP4